The following is an entry in ClinVar:

ClinVar aggregate classification (germline): Uncertain significance. Review status: criteria provided, multiple submitters, no conflicts (2 of 4 stars). 3 submissions from 3 submitters: Uncertain significance (3). Last evaluated 2025-09-30.

Conditions:
Neurofibromatosis, type 1 (NF1). Also called: Neurofibromatosis, type I; Peripheral type neurofibromatosis; VON RECKLINGHAUSEN DISEASE; NEUROFIBROMATOSIS, TYPE I, SOMATIC. Identifiers: Orphanet 636, MedGen C0027831, MONDO:0018975, OMIM 162200. Disease mechanism: loss of function.
Hereditary cancer-predisposing syndrome. Also called: Neoplastic Syndromes, Hereditary; Hereditary Cancer Syndrome; Hereditary neoplastic syndrome; Tumor predisposition. Identifiers: Orphanet 140162, MedGen C0027672, MeSH D009386, MONDO:0015356.
Cardiovascular phenotype. Identifiers: MedGen CN230736.

Allele frequency attached by ClinVar (database versions not stated): gnomAD exomes below 0.00001.
gnomAD v4.1: 1 of 1,613,790 alleles (0.000062%); highest among the groups gnomAD compares: Non-Finnish European, 0.000085%; no homozygotes.

Submissions (3):

Labcorp Genetics (formerly Invitae), Labcorp
Classification: Uncertain significance for Neurofibromatosis, type 1. Last evaluated: 2025-09-30. Review status: criteria provided, single submitter. Criteria: Invitae Variant Classification Sherloc (09022015). Collection method: clinical testing. Allele origin: germline.
Comment: This sequence change replaces aspartic acid, which is acidic and polar, with alanine, which is neutral and non-polar, at codon 1116 of the NF1 protein (p.Asp1116Ala). This variant is not present in population databases (gnomAD no frequency). This variant has not been reported in the literature in individuals affected with NF1-related conditions. ClinVar contains an entry for this variant (Variation ID: 823640). Invitae Evidence Modeling of protein sequence and biophysical properties (such as structural, functional, and spatial information, amino acid conservation, physicochemical variation, residue mobility, and thermodynamic stability) indicates that this missense variant is expected to disrupt NF1 protein function with a positive predictive value of 95%. In summary, the available evidence is currently insufficient to determine the role of this variant in disease. Therefore, it has been classified as a Variant of Uncertain Significance.

Genome-Nilou Lab
Classification: Uncertain significance for Neurofibromatosis, type 1. Last evaluated: 2022-03-15. Review status: criteria provided, single submitter. Criteria: ACMG Guidelines, 2015. Collection method: clinical testing. Allele origin: germline. Affected: no.

Ambry Genetics
Classification: Uncertain significance for Cardiovascular phenotype; Hereditary cancer-predisposing syndrome. Last evaluated: 2019-02-28. Review status: criteria provided, single submitter. Criteria: Ambry Variant Classification Scheme 2023. Collection method: clinical testing. Allele origin: germline.
Comment: The p.D1116A variant (also known as c.3347A>C), located in coding exon 26 of the NF1 gene, results from an A to C substitution at nucleotide position 3347. The aspartic acid at codon 1116 is replaced by alanine, an amino acid with dissimilar properties. This amino acid position is highly conserved in available vertebrate species. In addition, the in silico prediction for this alteration is inconclusive. Since supporting evidence is limited at this time, the clinical significance of this alteration remains unclear.

NM_001042492.3(NF1):c.3347A>C (p.Asp1116Ala)

Gene: NF1 (neurofibromin 1; plus strand). Cytogenetic location: 17q11.2.
Variant type: single nucleotide variant.
Coding change: c.3347A>C on transcript NM_001042492.3 (MANE Select); coding-DNA position 3347, A replaced by C.
Protein change: p.Asp1116Ala; replaces aspartic acid 1116 with alanine.
Molecular consequence: missense variant.
Genome position (GRCh38, 1-based): chr17:31,232,732, A>C. VCF-style: chr17-31232732-A-C. GRCh37 (hg19) VCF-style: chr17-29559750-A-C.
Other names: c.3347A>C, p.Asp1116Ala (NM_000267.4); short protein forms D1116A.
Identifiers: ClinVar variation 823640 (VCV000823640.11), dbSNP rs1597719439, ClinGen allele CA398989036.
Genomic context (GRCh38, chr17:31,232,732, plus strand): 5'-TGTAAAGGTCAGTCTTTTTATTTCTCAGATACTTCACATTATTTATGAACCTTTTGAATG[A>C]CTGCAGTGAAGTTGAAGATGAAAGTGCGCAAACAGGTGGCAGGAAACGTGGCATGTCTCG-3'
Protein context (NP_001035957.1, residues 1106-1126): YFTLFMNLLN[Asp1116Ala]CSEVEDESAQ